The following is an entry in ClinVar:

ClinVar aggregate classification (germline): Uncertain significance (1 of 4 stars; one submission).

Conditions:
SH3TC2-related disorder. Also called: SH3TC2-related disorders; SH3TC2-related condition. Identifiers: MedGen CN239303.

gnomAD v4.1: 7 of 1,614,194 alleles (0.00043%); highest among the groups gnomAD compares: South Asian, 0.0022%; 1 homozygote.

Submission:

PreventionGenetics, part of Exact Sciences
Classification: Uncertain significance for SH3TC2-related condition. Last evaluated: 2026-07-18. Review status: criteria provided, single submitter. Criteria: ACMG Guidelines, 2015. Collection method: clinical testing. Allele origin: germline.
Comment: The SH3TC2 c.2227G>A variant is predicted to result in the amino acid substitution p.Ala743Thr. To our knowledge, this variant has not been reported in the literature or in a large population database (gnomAD), indicating this variant is rare. At this time, the clinical significance of this variant is uncertain due to the absence of conclusive functional and genetic evidence.

NM_024577.4(SH3TC2):c.2227G>A (p.Ala743Thr)

Gene: SH3TC2 (SH3 domain and tetratricopeptide repeats 2; minus strand). Cytogenetic location: 5q32.
Variant type: single nucleotide variant.
Coding change: c.2227G>A on transcript NM_024577.4 (MANE Select); coding-DNA position 2227, G replaced by A.
Protein change: p.Ala743Thr; replaces alanine 743 with threonine.
Molecular consequence: missense variant.
Genome position (GRCh38, 1-based): chr5:149,027,505, C>T on the plus strand (G>A on the coding strand, the complement: SH3TC2 is on the minus strand). VCF-style: chr5-149027505-C-T. GRCh37 (hg19) VCF-style: chr5-148407068-C-T.
Other names: short protein forms A743T.
Identifiers: ClinVar variation 5002023 (VCV005002023.1).
Genomic context (GRCh38, chr5:149,027,505, plus strand): 5'-GGATGAGACACAGGGCCCTCTGGGTGCTCCGGTCTGCTAGTTCCTCACAGGCAGCCAGGG[C>T]CTGTCTGAGCATTGGGCAGGCCAAGGCAGAAACTTCACCCCAGCCTGGGGAAGGAAAGCC-3'
Protein context (NP_078853.2, residues 733-753): SALACPMLRQ[Ala743Thr]LAACEELADR